The following is an entry in ClinVar:

ClinVar aggregate classification (germline): Uncertain significance (1 of 4 stars; one submission).

Allele frequency attached by ClinVar (database versions not stated): ExAC 0.00001; gnomAD 0.00002; gnomAD exomes 0.00002; TOPMed 0.00002.
gnomAD v4.1: 37 of 1,613,898 alleles (0.0023%); highest among the groups gnomAD compares: Non-Finnish European, 0.0031%; no homozygotes.

Submission:

Labcorp Genetics (formerly Invitae), Labcorp
Classification: Uncertain significance. Last evaluated: 2023-06-30. Review status: criteria provided, single submitter. Criteria: Invitae Variant Classification Sherloc (09022015). Collection method: clinical testing. Allele origin: germline.
Comment: This sequence change replaces glutamic acid, which is acidic and polar, with alanine, which is neutral and non-polar, at codon 1421 of the RP1 protein (p.Glu1421Ala). This variant is present in population databases (rs780766590, gnomAD 0.003%). This variant has not been reported in the literature in individuals affected with RP1-related conditions. An algorithm developed to predict the effect of missense changes on protein structure and function (PolyPhen-2) suggests that this variant is likely to be tolerated. In summary, the available evidence is currently insufficient to determine the role of this variant in disease. Therefore, it has been classified as a Variant of Uncertain Significance.

NM_006269.2(RP1):c.4262A>C (p.Glu1421Ala)

Gene: RP1 (RP1 axonemal microtubule associated; plus strand). Cytogenetic location: 8q12.1.
Variant type: single nucleotide variant.
Coding change: c.4262A>C on transcript NM_006269.2 (MANE Select); coding-DNA position 4262, A replaced by C.
Protein change: p.Glu1421Ala; replaces glutamic acid 1421 with alanine.
Molecular consequence: missense variant. On other transcripts: intron variant (1).
Genome position (GRCh38, 1-based): chr8:54,628,144, A>C. VCF-style: chr8-54628144-A-C. GRCh37 (hg19) VCF-style: chr8-55540704-A-C.
Other names: c.787+5856A>C (NM_001375654.1); short protein forms E1421A.
Identifiers: ClinVar variation 2967597 (VCV002967597.3), dbSNP rs780766590, ClinGen allele CA4751831.